The following is an entry in ClinVar:

NM_005802.5(TOPORS):c.2245A>G (p.Asn749Asp)

Gene: TOPORS (TOP1 binding arginine/serine rich protein, E3 ubiquitin ligase; minus strand). Cytogenetic location: 9p21.1.
Variant type: single nucleotide variant.
Coding change: c.2245A>G on transcript NM_005802.5 (MANE Select); coding-DNA position 2245, A replaced by G.
Protein change: p.Asn749Asp; replaces asparagine 749 with aspartic acid.
Molecular consequence: missense variant.
Genome position (GRCh38, 1-based): chr9:32,542,280, T>C on the plus strand (A>G on the coding strand, the complement: TOPORS is on the minus strand). VCF-style: chr9-32542280-T-C. GRCh37 (hg19) VCF-style: chr9-32542278-T-C.
Other names: c.2050A>G, p.Asn684Asp (NM_001195622.2); short protein forms N749D, N684D.
Identifiers: ClinVar variation 167739 (VCV000167739.20), dbSNP rs17857515, ClinGen allele CA180459.

ClinVar aggregate classification (germline): Benign/Likely benign. Review status: criteria provided, multiple submitters, no conflicts (2 of 4 stars). 5 submissions from 5 submitters: Benign (4); Likely benign (1). Last evaluated 2026-02-01.

Conditions:
Retinitis pigmentosa (RP). Identifiers: Orphanet 791, MedGen C0035334, MeSH D012174, MONDO:0019200, OMIM 268000. Inheritance: Autosomal dominant, autosomal recessive and X linked inheritance.

Allele frequency attached by ClinVar (database versions not stated): TOPMed 0.01170; 1000 Genomes Project 0.00759; ExAC 0.01660; gnomAD exomes 0.01766 and 0.01594; gnomAD 0.01443 and 0.01479; 1000 Genomes Project 30x 0.00718; ESP Exome Variant Server 0.01461.
gnomAD v4.1: 27,892 of 1,614,096 alleles (1.7%); highest among the groups gnomAD compares: Non-Finnish European, 1.9%; 294 homozygotes.

Submissions (5):

Labcorp Genetics (formerly Invitae), Labcorp
Classification: Benign. Last evaluated: 2026-02-01. Review status: criteria provided, single submitter. Criteria: Invitae Variant Classification Sherloc (09022015). Collection method: clinical testing. Allele origin: germline.

Blueprint Genetics
Classification: Likely benign. Last evaluated: 2024-11-25. Review status: criteria provided, single submitter. Criteria: ACMG Guidelines, 2015. Collection method: clinical testing. Allele origin: germline.

Illumina Laboratory Services, Illumina
Classification: Benign for Retinitis pigmentosa. Last evaluated: 2018-01-12. Review status: criteria provided, single submitter. Criteria: ICSL Variant Classification Criteria 13 December 2019. Collection method: clinical testing. Allele origin: germline.
Comment: This variant was observed in the ICSL laboratory as part of a predisposition screen in an ostensibly healthy population. It had not been previously curated by ICSL or reported in the Human Gene Mutation Database (HGMD: prior to June 1st, 2018), and was therefore a candidate for classification through an automated scoring system. Utilizing variant allele frequency, disease prevalence and penetrance estimates, and inheritance mode, an automated score was calculated to assess if this variant is too frequent to cause the disease. Based on the score and internal cut-off values, a variant classified as benign is not then subjected to further curation. The score for this variant resulted in a classification of benign for this disease.

Eurofins Ntd Llc (ga)
Classification: Benign. Last evaluated: 2014-01-30. Review status: criteria provided, single submitter. Criteria: EGL Classification Definitions 2015. Collection method: clinical testing. Allele origin: germline. Observed: 1 variant allele, 1 heterozygote.

Breakthrough Genomics
Classification: Benign. Review status: criteria provided, single submitter. Criteria: ACMG Guidelines, 2015. Collection method: not provided. Allele origin: germline. Inheritance: Unknown mechanism. Affected: yes.